The following is an entry in ClinVar:

ClinVar aggregate classification (germline): Uncertain significance (1 of 4 stars; one submission).

Submission:

Labcorp Genetics (formerly Invitae), Labcorp
Classification: Uncertain significance. Last evaluated: 2024-02-14. Review status: criteria provided, single submitter. Criteria: Invitae Variant Classification Sherloc (09022015). Collection method: clinical testing. Allele origin: germline.
Comment: This sequence change replaces threonine, which is neutral and polar, with isoleucine, which is neutral and non-polar, at codon 144 of the TRIM28 protein (p.Thr144Ile). This variant is present in population databases (no rsID available, gnomAD no frequency). This variant has not been reported in the literature in individuals affected with TRIM28-related conditions. Experimental studies and prediction algorithms are not available or were not evaluated, and the functional significance of this variant is currently unknown. In summary, the available evidence is currently insufficient to determine the role of this variant in disease. Therefore, it has been classified as a Variant of Uncertain Significance.

NM_005762.3(TRIM28):c.431C>T (p.Thr144Ile)

Gene: TRIM28 (tripartite motif containing 28; plus strand). Cytogenetic location: 19q13.43.
Variant type: single nucleotide variant.
Coding change: c.431C>T on transcript NM_005762.3 (MANE Select); coding-DNA position 431, C replaced by T.
Protein change: p.Thr144Ile; replaces threonine 144 with isoleucine.
Molecular consequence: missense variant.
Genome position (GRCh38, 1-based): chr19:58,545,515, C>T. VCF-style: chr19-58545515-C-T. GRCh37 (hg19) VCF-style: chr19-59056882-C-T.
Other names: short protein forms T144I.
Identifiers: ClinVar variation 3640679 (VCV003640679.2).